The following is an entry in ClinVar:

ClinVar aggregate classification (germline): Uncertain significance (1 of 4 stars; one submission).

Conditions:
Hereditary cancer-predisposing syndrome. Also called: Neoplastic Syndromes, Hereditary; Tumor predisposition; Hereditary Cancer Syndrome; Hereditary neoplastic syndrome. Identifiers: Orphanet 140162, MedGen C0027672, MeSH D009386, MONDO:0015356.

Allele frequency attached by ClinVar (database versions not stated): gnomAD exomes below 0.00001.
gnomAD v4.1: 1 of 1,614,100 alleles (0.000062%); highest among the groups gnomAD compares: South Asian, 0.0011%; no homozygotes.

Submission:

Color Diagnostics, LLC DBA Color Health
Classification: Uncertain significance for Hereditary cancer-predisposing syndrome. Last evaluated: 2023-12-05. Review status: criteria provided, single submitter. Criteria: ACMG Guidelines, 2015. Collection method: clinical testing. Allele origin: germline.
Comment: This missense variant replaces lysine with glutamic acid at codon 1080 of the PALB2 protein. Computational prediction suggests that this variant may not impact protein structure and function (internally defined REVEL score threshold <= 0.5, PMID: 27666373). To our knowledge, functional studies have not been reported for this variant. This variant has not been reported in individuals affected with PALB2-related disorders in the literature. This variant has not been identified in the general population by the Genome Aggregation Database (gnomAD). The available evidence is insufficient to determine the role of this variant in disease conclusively. Therefore, this variant is classified as a Variant of Uncertain Significance.

NM_024675.4(PALB2):c.3238A>G (p.Lys1080Glu)

Gene: PALB2 (partner and localizer of BRCA2; minus strand). Cytogenetic location: 16p12.2.
Variant type: single nucleotide variant.
Coding change: c.3238A>G on transcript NM_024675.4 (MANE Select); coding-DNA position 3238, A replaced by G.
Protein change: p.Lys1080Glu; replaces lysine 1080 with glutamic acid.
Molecular consequence: missense variant.
Genome position (GRCh38, 1-based): chr16:23,607,976, T>C on the plus strand (A>G on the coding strand, the complement: PALB2 is on the minus strand). VCF-style: chr16-23607976-T-C. GRCh37 (hg19) VCF-style: chr16-23619297-T-C.
Other names: short protein forms K1080E.
Identifiers: ClinVar variation 924013 (VCV000924013.4), dbSNP rs1966511830, ClinGen allele CA395139945.